The following is an entry in ClinVar:

NM_198904.4(GABRG2):c.737_740del (p.Arg246fs)

Gene: GABRG2 (gamma-aminobutyric acid type A receptor subunit gamma2; plus strand). Cytogenetic location: 5q34.
Variant type: Deletion.
Coding change: c.737_740del on transcript NM_198904.4 (MANE Select); coding-DNA positions 737 to 740, 4 bases deleted (GAAA; older notation c.737_740delGAAA).
Protein change: p.Arg246fs; shifts the reading frame from arginine 246.
Molecular consequence: frameshift variant.
Genome position (GRCh38, 1-based): chr5:162,103,994-162,103,997, GAAA deleted; deleting any 4 consecutive bases within chr5:162,103,992-162,103,997 gives the same sequence; the c. name uses the placement nearest the transcript's 3' end. VCF-style (leftmost placement, unchanged base first): chr5-162103991-TAAGA-T. GRCh37 (hg19) VCF-style: chr5-161530997-TAAGA-T.
Other names: c.737_740del, p.Arg246fs (NM_000816.3, NM_001375340.1, NM_001375341.1 and 2 more transcripts); c.728_731del, p.Arg243fs (NM_001375339.1); c.857_860del, p.Arg286fs (NM_001375343.1, NM_198903.2); c.671_674del, p.Arg224fs (NM_001375345.1, NM_001375346.1); c.650_653del, p.Arg217fs (NM_001375347.1); c.317_320del, p.Arg106fs (NM_001375348.1, NM_001375350.1); c.452_455del, p.Arg151fs (NM_001375349.1); short protein forms R106fs, R151fs, R217fs, R224fs, R243fs, R246fs, R286fs.
Identifiers: ClinVar variation 1709541 (VCV001709541.2), dbSNP rs2532592745, ClinGen allele CA2580073999.

ClinVar aggregate classification (germline): Likely pathogenic (1 of 4 stars; one submission).

Conditions:
Developmental and epileptic encephalopathy, 74. Also called: EPILEPTIC ENCEPHALOPATHY, EARLY INFANTILE, 74. Identifiers: MedGen C5193074, MONDO:0032725, OMIM 618396.

Submission:

MGZ Medical Genetics Center
Classification: Likely pathogenic for Developmental and epileptic encephalopathy, 74. Last evaluated: 2022-06-20. Review status: criteria provided, single submitter. Criteria: ACMG Guidelines, 2015. Collection method: clinical testing. Allele origin: germline. Affected: yes. Observed: 1 variant allele.
Comment: ACMG criteria applied: PVS1, PM2_SUP